The following is an entry in ClinVar:

NM_003005.4(SELP):c.1285C>A (p.Arg429=)

Gene: SELP (selectin P; minus strand). Cytogenetic location: 1q24.2.
Variant type: single nucleotide variant.
Coding change: c.1285C>A on transcript NM_003005.4 (MANE Select); coding-DNA position 1285, C replaced by A.
Protein change: p.Arg429=; no amino-acid change (arginine 429 retained).
Molecular consequence: synonymous variant.
Genome position (GRCh38, 1-based): chr1:169,609,552, G>T on the plus strand (C>A on the coding strand, the complement: SELP is on the minus strand). VCF-style: chr1-169609552-G-T. GRCh37 (hg19) VCF-style: chr1-169578790-G-T.
Identifiers: ClinVar variation 3250705 (VCV003250705.18), dbSNP rs761957913.
Genomic context (GRCh38, chr1:169,609,552, plus strand): 5'-CTGTTACAGTACCTTGACAGACTGGGGCTGGTGCTGTCCACTGTCCCAAGTTATCACACC[G>T]AACTATATCGGCTCCTCTCAGCATGAAACCTTCAGCACAGCGGAAGCTACAGTTGGTGTC-3'
Protein context (NP_002996.2, residues 419-439): GFMLRGADIV[Arg429=]CDNLGQWTAP

ClinVar aggregate classification (germline): Likely benign (1 of 4 stars; one submission).

Allele frequency attached by ClinVar (database versions not stated): ExAC 0.00002.
gnomAD v4.1: 8 of 1,613,986 alleles (0.0005%); highest among the groups gnomAD compares: Admixed American, 0.0017%; no homozygotes.

Submission:

CeGaT Center for Human Genetics Tuebingen
Classification: Likely benign. Last evaluated: 2024-07-01. Review status: criteria provided, single submitter. Criteria: CeGaT Center For Human Genetics Tuebingen Variant Classification Criteria Version 2. Collection method: clinical testing. Allele origin: germline. Affected: yes. Observed: 1 variant allele.
Comment: SELP: BP4, BP7